The following is an entry in ClinVar:

ClinVar aggregate classification (germline): Benign/Likely benign. Review status: criteria provided, multiple submitters, no conflicts (2 of 4 stars). 8 submissions from 8 submitters: Benign (1); Likely benign (7). Last evaluated 2026-01-26.

Conditions:
Hirschsprung disease, susceptibility to, 1 (HSCR1). Also called: RET-Related Hirschsprung Disease. Identifiers: Orphanet 388, MedGen C3888239, MONDO:0007723, OMIM 142623.
Familial medullary thyroid carcinoma (MTC). Also called: Thyroid cancer, familial medullary; MTC, familial; Familial Medullary Thyroid Carcinoma (FMTC). Identifiers: Orphanet 653, Orphanet 99361, MedGen C1833921, MONDO:0007958, OMIM 155240.
Pheochromocytoma. Also called: MAX-Related Hereditary Paraganglioma-Pheochromocytoma Syndrome. Identifiers: Orphanet 29072, MedGen C0031511, MONDO:0008233, OMIM 171300, HP:0002666.
Multiple endocrine neoplasia type 2A. Also called: Multiple Endocrine Neoplasia Type 2A (MEN2A); MULTIPLE ENDOCRINE NEOPLASIA, TYPE IIA; PTC SYNDROME; SIPPLE SYNDROME; MEN 2A; MEN-2A syndrome. Identifiers: Orphanet 247698, Orphanet 653, MedGen C0025268, MeSH D018813, MONDO:0008234, OMIM 171400.
Multiple endocrine neoplasia type 2B. Also called: Multiple endocrine neoplasia, type 3; MEN 2B; MEN IIB; NEUROMATA, MUCOSAL, WITH ENDOCRINE TUMORS; Multiple Endocrine Neoplasia Type 2B (MEN2B); WAGENMANN-FROBOESE SYNDROME. Identifiers: Orphanet 247709, Orphanet 653, MedGen C0025269, MeSH D018814, MONDO:0008082, OMIM 162300.
Multiple endocrine neoplasia, type 2 (MEN2). Identifiers: Orphanet 653, MedGen C4048306, MONDO:0019003. Disease mechanism: gain of function.
Hereditary cancer-predisposing syndrome. Also called: Hereditary neoplastic syndrome; Tumor predisposition; Neoplastic Syndromes, Hereditary; Hereditary Cancer Syndrome. Identifiers: Orphanet 140162, MedGen C0027672, MeSH D009386, MONDO:0015356.

Allele frequency attached by ClinVar (database versions not stated): gnomAD exomes 0.00001 and 0.00004; ExAC 0.00004; gnomAD 0.00011 and 0.00013; ESP Exome Variant Server 0.00015; TOPMed 0.00017.
gnomAD v4.1: 36 of 1,608,814 alleles (0.0022%); highest among the groups gnomAD compares: African/African-American, 0.043%; no homozygotes.

Submissions (8):

Labcorp Genetics (formerly Invitae), Labcorp
Classification: Likely benign for Multiple endocrine neoplasia, type 2. Last evaluated: 2026-01-26. Review status: criteria provided, single submitter. Criteria: Invitae Variant Classification Sherloc (09022015). Collection method: clinical testing. Allele origin: germline.

Myriad Genetics, Inc.
Classification: Benign for Multiple endocrine neoplasia type 2A. Last evaluated: 2024-09-05. Review status: criteria provided, single submitter. Criteria: Myriad Autosomal Dominant, Autosomal Recessive and X-Linked Classification Criteria (2023). Collection method: clinical testing. Allele origin: unknown.
Comment: This variant is considered benign. This variant is intronic and is not expected to impact mRNA splicing. This variant has been observed at a population frequency that is significantly greater than expected given the associated disease prevalence and penetrance.

Blueprint Genetics
Classification: Likely benign. Last evaluated: 2024-02-12. Review status: criteria provided, single submitter. Criteria: ACMG Guidelines, 2015. Collection method: clinical testing. Allele origin: germline.

All of Us Research Program, National Institutes of Health
Classification: Likely benign for Multiple endocrine neoplasia, type 2. Last evaluated: 2023-12-13. Review status: criteria provided, single submitter. Criteria: ACMG Guidelines, 2015. Collection method: clinical testing. Allele origin: germline. Inheritance: Autosomal dominant inheritance. Observed: 17 variant alleles, 17 heterozygotes.
Comment: This study involves interpretation of variants in research participants for the purpose of population health screening. Participant phenotype was not available at the time of variant classification. Additional details can be found in publication PMID: 35346344, PMCID: PMC8962531

Color Diagnostics, LLC DBA Color Health
Classification: Likely benign for Multiple endocrine neoplasia, type 2. Last evaluated: 2023-03-15. Review status: criteria provided, single submitter. Criteria: ACMG Guidelines, 2015. Collection method: clinical testing. Allele origin: germline.

Fulgent Genetics
Classification: Likely benign for Hirschsprung disease, susceptibility to, 1; Familial medullary thyroid carcinoma; Multiple endocrine neoplasia type 2B; Pheochromocytoma; Multiple endocrine neoplasia type 2A. Last evaluated: 2022-04-22. Review status: criteria provided, single submitter. Criteria: ACMG Guidelines, 2015. Collection method: clinical testing. Allele origin: unknown.

Sema4
Classification: Likely benign for Hereditary cancer-predisposing syndrome. Last evaluated: 2021-02-03. Review status: criteria provided, single submitter. Criteria: Sema4 Curation Guidelines. Collection method: curation. Allele origin: germline.

PreventionGenetics, part of Exact Sciences
Classification: Likely benign. Review status: criteria provided, single submitter. Criteria: ACMG Guidelines, 2015. Collection method: clinical testing. Allele origin: germline.

NM_020975.6(RET):c.868-6C>T

Gene: RET (ret proto-oncogene; plus strand). Cytogenetic location: 10q11.21.
Variant type: single nucleotide variant.
Coding change: c.868-6C>T on transcript NM_020975.6 (MANE Select); 6 bases into the intron before coding-DNA position 868, C replaced by T.
Molecular consequence: intron variant.
Genome position (GRCh38, 1-based): chr10:43,106,370, C>T. VCF-style: chr10-43106370-C-T. GRCh37 (hg19) VCF-style: chr10-43601818-C-T.
Other names: c.868-6C>T (NM_020630.7, NM_001406743.1, NM_001406744.1 and 4 more transcripts); c.867+1177C>T (NM_001406772.1, NM_001406769.1); c.626-2661C>T (NM_001406773.1, NM_001406771.1); c.625+3741C>T (NM_001406782.1, NM_001406780.1, NM_001406779.1 and 3 more transcripts); c.739-6C>T (NM_001406764.1, NM_001406762.1, NM_001406761.1 and 1 more transcripts); c.738+1177C>T (NM_001406774.1); c.496+3741C>T (NM_001406786.1, NM_001406783.1); c.580-6C>T (NM_001406770.1, NM_001406766.1, NM_001406767.1); and 5 more.
Identifiers: ClinVar variation 261399 (VCV000261399.18), dbSNP rs367688294, ClinGen allele CA045313.